The following is an entry in ClinVar:

NM_001040108.2(MLH3):c.2917C>T (p.Pro973Ser)

Gene: MLH3 (mutL homolog 3; minus strand). Cytogenetic location: 14q24.3.
Variant type: single nucleotide variant.
Coding change: c.2917C>T on transcript NM_001040108.2 (MANE Select); coding-DNA position 2917, C replaced by T.
Protein change: p.Pro973Ser; replaces proline 973 with serine.
Molecular consequence: missense variant.
Genome position (GRCh38, 1-based): chr14:75,046,739, G>A on the plus strand (C>T on the coding strand, the complement: MLH3 is on the minus strand). VCF-style: chr14-75046739-G-A. GRCh37 (hg19) VCF-style: chr14-75513442-G-A.
Other names: c.2917C>T, p.Pro973Ser (NM_014381.3); short protein forms P973S.
Identifiers: ClinVar variation 3295170 (VCV003295170.1).

ClinVar aggregate classification (germline): Uncertain significance (1 of 4 stars; one submission).

Submission:

Ambry Genetics
Classification: Uncertain significance. Last evaluated: 2024-06-23. Review status: criteria provided, single submitter. Criteria: Ambry Variant Classification Scheme 2023. Collection method: clinical testing. Allele origin: germline.
Comment: The p.P973S variant (also known as c.2917C>T), located in coding exon 1 of the MLH3 gene, results from a C to T substitution at nucleotide position 2917. The proline at codon 973 is replaced by serine, an amino acid with similar properties. This amino acid position is conserved. In addition, this alteration is predicted to be tolerated by in silico analysis. Based on the available evidence, the clinical significance of this variant remains unclear.